The following is an entry in ClinVar:

ClinVar aggregate classification (germline): Uncertain significance (1 of 4 stars; one submission).

Submission:

Labcorp Genetics (formerly Invitae), Labcorp
Classification: Uncertain significance. Last evaluated: 2023-06-14. Review status: criteria provided, single submitter. Criteria: Invitae Variant Classification Sherloc (09022015). Collection method: clinical testing. Allele origin: germline.
Comment: This sequence change creates a premature translational stop signal (p.Asn9Ilefs*80) in the AP2M1 gene. It is expected to result in an absent or disrupted protein product. However, the current clinical and genetic evidence is not sufficient to establish whether loss-of-function variants in AP2M1 cause disease. This variant is not present in population databases (gnomAD no frequency). This variant has not been reported in the literature in individuals affected with AP2M1-related conditions. In summary, the available evidence is currently insufficient to determine the role of this variant in disease. Therefore, it has been classified as a Variant of Uncertain Significance.

NM_004068.4(AP2M1):c.26del (p.Asn9fs)

Genes: AP2M1 (adaptor related protein complex 2 subunit mu 1; plus strand), LOC123453202 (Sharpr-MPRA regulatory region 464; plus strand). Cytogenetic location: 3q27.1.
Variant type: Deletion.
Coding change: c.26del on transcript NM_004068.4 (MANE Select); coding-DNA position 26, one base deleted (A; older notation c.26delA).
Protein change: p.Asn9fs; shifts the reading frame from asparagine 9.
Molecular consequence: frameshift variant.
Genome position (GRCh38, 1-based): chr3:184,177,019, A deleted; the last of 2 consecutive A bases (chr3:184,177,018-184,177,019); deleting either gives the same sequence. VCF-style (leftmost placement, unchanged base first): chr3-184177017-TA-T. GRCh37 (hg19) VCF-style: chr3-183894805-TA-T.
Other names: c.26del, p.Asn9fs (NM_001025205.2, NM_001311198.2); short protein forms N9fs.
Identifiers: ClinVar variation 2714255 (VCV002714255.3), dbSNP rs2473715396, ClinGen allele CA2697557020.